The following is an entry in ClinVar:

ClinVar aggregate classification (germline): Benign/Likely benign. Review status: criteria provided, multiple submitters, no conflicts (2 of 4 stars). 4 submissions from 4 submitters: Benign (3); Likely benign (1). Last evaluated 2026-09-01.

Submissions (4):

CeGaT Center for Human Genetics Tuebingen
Classification: Benign. Last evaluated: 2026-09-01. Review status: criteria provided, single submitter. Criteria: CeGaT Center For Human Genetics Tuebingen Variant Classification Criteria Version 2. Collection method: clinical testing. Allele origin: germline. Affected: yes. Observed: 89 variant alleles.
Comment: CACNA1A: BS1, BS2

ARUP Laboratories, Molecular Genetics and Genomics, ARUP Laboratories
Classification: Benign. Last evaluated: 2025-04-16. Review status: criteria provided, single submitter. Criteria: ARUP Molecular Germline Variant Investigation Process 2024. Collection method: clinical testing. Allele origin: germline.

Laboratory of Genetics, Children's Clinical University Hospital Latvia
Classification: Benign. Last evaluated: 2025-02-16. Review status: criteria provided, single submitter. Criteria: ACMG Guidelines, 2015. Collection method: clinical testing. Allele origin: germline. Affected: yes.

Blueprint Genetics
Classification: Likely benign. Last evaluated: 2024-11-27. Review status: criteria provided, single submitter. Criteria: ACMG Guidelines, 2015. Collection method: clinical testing. Allele origin: germline.

NM_001127222.2(CACNA1A):c.6937CAG[8] (p.Gln2321_Gln2325del)

Genes: CACNA1A (calcium voltage-gated channel subunit alpha1 A; minus strand), LOC108663985 (calcium voltage-gated channel subunit alpha1 A repeat instability region; plus strand). Cytogenetic location: 19p13.13.
Variant type: Microsatellite.
Coding change: c.6937CAG[8] on transcript NM_001127222.2 (MANE Select); eight copies in a row of the 3-base unit CAG starting at c.6937; the reference has 13 copies in a row; five copies, 15 bases deleted.
Protein change: p.Gln2321_Gln2325del.
Molecular consequence: inframe deletion. On other transcripts: 3 prime UTR variant (3).
Genome position (GRCh38, 1-based): chr19:13,207,859-13,207,873, CTGCTGCTGCTGCTG deleted on the plus strand (CAGCAGCAGCAGCAG on the coding strand, the reverse complement: CACNA1A is on the minus strand); deleting any 15 consecutive bases within chr19:13,207,859-13,207,898 gives the same sequence; the position shown is the placement nearest the transcript's 3' end. VCF-style (leftmost placement, unchanged base first): chr19-13207858-CCTGCTGCTGCTGCTG-C. GRCh37 (hg19) VCF-style: chr19-13318672-CCTGCTGCTGCTGCTG-C.
Other names: c.*149CAG[8] (NM_000068.4, NM_001127221.2, NM_001174080.2); c.6955CAG[8], p.Gln2327_Gln2331del (NM_023035.3).
Identifiers: ClinVar variation 1694895 (VCV001694895.34), dbSNP rs16054, ClinGen allele CA632122827.